The following is an entry in ClinVar:

ClinVar aggregate classification (germline): Uncertain significance (1 of 4 stars; one submission).

Conditions:
Cystinuria (CSNU). Also called: CYSTINURIA, TYPE I; CYSTINURIA, TYPE II; CYSTINURIA, TYPE III; Cystinuria, non-type I. Identifiers: Orphanet 214, MedGen C0010691, MONDO:0009067, OMIM 220100, HP:0003131.

gnomAD v4.1: 2 of 1,613,982 alleles (0.00012%); highest among the groups gnomAD compares: East Asian, 0.0045%; no homozygotes.

Submission:

3billion
Classification: Uncertain significance for Cystinuria. Last evaluated: 2025-01-21. Review status: criteria provided, single submitter. Criteria: ACMG Guidelines, 2015. Collection method: clinical testing. Allele origin: germline. Affected: yes.
Comment: The variant is observed at an extremely low frequency in the gnomAD v4.1.0 dataset (total allele frequency: <0.001%). Predicted Consequence/Location: Missense variant In silico tool predictions suggest damaging effect of the variant on gene or gene product [REVEL: 0.77 (>=0.6, sensitivity 0.68 and specificity 0.92)]. Therefore, this variant is classified as VUS according to the recommendation of ACMG/AMP guideline.

NM_000341.4(SLC3A1):c.548T>C (p.Val183Ala)

Gene: SLC3A1 (solute carrier family 3 member 1; plus strand). Cytogenetic location: 2p21.
Variant type: single nucleotide variant.
Coding change: c.548T>C on transcript NM_000341.4 (MANE Select); coding-DNA position 548, T replaced by C.
Protein change: p.Val183Ala; replaces valine 183 with alanine.
Molecular consequence: missense variant.
Genome position (GRCh38, 1-based): chr2:44,280,833, T>C. VCF-style: chr2-44280833-T-C. GRCh37 (hg19) VCF-style: chr2-44507972-T-C.
Other names: short protein forms V183A.
Identifiers: ClinVar variation 4292203 (VCV004292203.1).